The following is an entry in ClinVar:

ClinVar aggregate classification (germline): Uncertain significance (1 of 4 stars; one submission).

Conditions:
Senior-Loken syndrome 8 (SLSN8). Identifiers: Orphanet 3156, MedGen C4225376, MONDO:0014579, OMIM 616307.
Asphyxiating thoracic dystrophy 5 (SRTD5). Also called: SHORT-RIB THORACIC DYSPLASIA 5 WITH OR WITHOUT POLYDACTYLY; SHORT-RIB THORACIC DYSPLASIA 5 WITHOUT POLYDACTYLY. Identifiers: Orphanet 474, MedGen C3280598, MONDO:0013717, OMIM 614376.

Submission:

Labcorp Genetics (formerly Invitae), Labcorp
Classification: Uncertain significance for Senior-Loken syndrome 8; Asphyxiating thoracic dystrophy 5. Last evaluated: 2022-02-18. Review status: criteria provided, single submitter. Criteria: Invitae Variant Classification Sherloc (09022015). Collection method: clinical testing. Allele origin: germline.
Comment: In summary, the available evidence is currently insufficient to determine the role of this variant in disease. Therefore, it has been classified as a Variant of Uncertain Significance. Algorithms developed to predict the effect of sequence changes on RNA splicing suggest that this variant may disrupt the consensus splice site. Algorithms developed to predict the effect of missense changes on protein structure and function output the following: SIFT: "Tolerated"; PolyPhen-2: "Benign"; Align-GVGD: "Class C0". The isoleucine amino acid residue is found in multiple mammalian species, which suggests that this missense change does not adversely affect protein function. This variant has not been reported in the literature in individuals affected with WDR19-related conditions. This variant is not present in population databases (gnomAD no frequency). This sequence change replaces valine, which is neutral and non-polar, with isoleucine, which is neutral and non-polar, at codon 561 of the WDR19 protein (p.Val561Ile).

NM_025132.4(WDR19):c.1681G>A (p.Val561Ile)

Gene: WDR19 (WD repeat domain 19; plus strand). Cytogenetic location: 4p14.
Variant type: single nucleotide variant.
Coding change: c.1681G>A on transcript NM_025132.4 (MANE Select); coding-DNA position 1681, G replaced by A.
Protein change: p.Val561Ile; replaces valine 561 with isoleucine.
Molecular consequence: missense variant.
Genome position (GRCh38, 1-based): chr4:39,228,261, G>A. VCF-style: chr4-39228261-G-A. GRCh37 (hg19) VCF-style: chr4-39229881-G-A.
Other names: c.1201G>A, p.Val401Ile (NM_001317924.2); short protein forms V401I, V561I.
Identifiers: ClinVar variation 2099004 (VCV002099004.4), dbSNP rs2475184936, ClinGen allele CA356632656.